The following is an entry in ClinVar:

NM_030662.4(MAP2K2):c.93-20A>C

Gene: MAP2K2 (mitogen-activated protein kinase kinase 2; minus strand). Cytogenetic location: 19p13.3.
Variant type: single nucleotide variant.
Coding change: c.93-20A>C on transcript NM_030662.4 (MANE Select); 20 bases into the intron before coding-DNA position 93, A replaced by C.
Molecular consequence: intron variant.
Genome position (GRCh38, 1-based): chr19:4,117,649, T>G on the plus strand (A>C on the coding strand, the complement: MAP2K2 is on the minus strand). VCF-style: chr19-4117649-T-G. GRCh37 (hg19) VCF-style: chr19-4117647-T-G.
Identifiers: ClinVar variation 138165 (VCV000138165.15), dbSNP rs189388604, ClinGen allele CA292005.

ClinVar aggregate classification (germline): Benign/Likely benign. Review status: criteria provided, multiple submitters, no conflicts (2 of 4 stars). 7 submissions from 7 submitters: Benign (6); Likely benign (1). Last evaluated 2026-01-31.

Conditions:
Cardiofaciocutaneous syndrome 4 (CFC4). Also called: MAP2K2-Related Cardiofaciocutaneous Syndrome. Identifiers: Orphanet 1340, MedGen C3809007, MONDO:0014114, OMIM 615280.
RASopathy. Also called: Noonan spectrum disorder; rasopathies. Identifiers: Orphanet 536391, MedGen C5555857, MONDO:0021060.

Allele frequency attached by ClinVar (database versions not stated): gnomAD 0.00032; gnomAD exomes 0.00042 and 0.00056; TOPMed 0.00047; ExAC 0.00072; 1000 Genomes Project 0.00100.
gnomAD v4.1: 668 of 1,612,120 alleles (0.041%); highest among the groups gnomAD compares: Admixed American, 0.23%; 2 homozygotes.

Submissions (7):

Labcorp Genetics (formerly Invitae), Labcorp
Classification: Benign for RASopathy. Last evaluated: 2026-01-31. Review status: criteria provided, single submitter. Criteria: Invitae Variant Classification Sherloc (09022015). Collection method: clinical testing. Allele origin: germline.

Blueprint Genetics
Classification: Likely benign. Last evaluated: 2024-10-21. Review status: criteria provided, single submitter. Criteria: ACMG Guidelines, 2015. Collection method: clinical testing. Allele origin: germline.

ARUP Laboratories, Molecular Genetics and Genomics, ARUP Laboratories
Classification: Benign for Cardiofaciocutaneous syndrome 4. Last evaluated: 2024-07-25. Review status: criteria provided, single submitter. Criteria: ARUP Molecular Germline Variant Investigation Process 2024. Collection method: clinical testing. Allele origin: germline.

Women's Health and Genetics/Laboratory Corporation of America, LabCorp
Classification: Benign. Last evaluated: 2019-08-26. Review status: criteria provided, single submitter. Criteria: LabCorp Variant Classification Summary - May 2015. Collection method: clinical testing. Allele origin: germline.
Comment: Variant summary: MAP2K2 c.93-20A>C alters a non-conserved nucleotide located close to a canonical splice site and therefore could affect mRNA splicing, leading to a significantly altered protein sequence. 4/4 computational tools predict no significant impact on normal splicing. However, these predictions have yet to be confirmed by functional studies. The variant allele was found at a frequency of 0.00056 in 250648 control chromosomes. The observed variant frequency is approximately 225 fold of the estimated maximal expected allele frequency for a pathogenic variant in MAP2K2 causing Noonan Syndrome and Related Conditions phenotype (2.5e-06), strongly suggesting that the variant is benign. To our knowledge, no occurrence of c.93-20A>C in individuals affected with Noonan Syndrome and Related Conditions and no experimental evidence demonstrating its impact on protein function have been reported. One clinical diagnostic laboratory has submitted clinical-significance assessments for this variant to ClinVar after 2014 without evidence for independent evaluation and classified the variant as benign. Based on the evidence outlined above, the variant was classified as benign.

GeneDx
Classification: Benign. Last evaluated: 2014-03-25. Review status: criteria provided, single submitter. Criteria: GeneDx Variant Classification (06012015). Collection method: clinical testing. Allele origin: germline. Affected: yes.
Comment: This variant is considered likely benign or benign based on one or more of the following criteria: it is a conservative change, it occurs at a poorly conserved position in the protein, it is predicted to be benign by multiple in silico algorithms, and/or has population frequency not consistent with disease.

Breakthrough Genomics
Classification: Benign. Review status: criteria provided, single submitter. Criteria: ACMG Guidelines, 2015. Collection method: not provided. Allele origin: germline. Inheritance: Autosomal dominant inheritance. Affected: yes.

PreventionGenetics, part of Exact Sciences
Classification: Benign. Review status: criteria provided, single submitter. Criteria: ACMG Guidelines, 2015. Collection method: clinical testing. Allele origin: germline.